The following is an entry in ClinVar:

ClinVar aggregate classification (germline): Likely pathogenic (1 of 4 stars; one submission).

Conditions:
Combined malonic and methylmalonic acidemia. Identifiers: Orphanet 289504, MedGen C3280314, MONDO:0013661, OMIM 614265.

gnomAD v4.1: 1 of 1,613,312 alleles (0.000062%); highest among the groups gnomAD compares: Non-Finnish European, 0.000085%; no homozygotes.

Submission:

Natera, Inc.
Classification: Likely pathogenic for Combined malonic and methylmalonic aciduria. Last evaluated: 2025-10-27. Review status: criteria provided, single submitter. Criteria: Natera Variant Classification Schema (03/2026). Collection method: clinical testing. Allele origin: germline.
Comment: The c.777G>A variant in ACSF3 is a nonsense variant predicted to introduce a stop codon at amino acid 259. This variant is expected to result in nonsense mediated decay, truncation, or a dysfunctional protein product. This variant is rare in the general population with a frequency below the threshold expected for the associated phenotype(s). Given the available evidence, this variant is classified as Likely Pathogenic.

NM_001243279.3(ACSF3):c.777G>A (p.Trp259Ter)

Gene: ACSF3 (acyl-CoA synthetase family member 3; plus strand). Cytogenetic location: 16q24.3.
Variant type: single nucleotide variant.
Coding change: c.777G>A on transcript NM_001243279.3 (MANE Select); coding-DNA position 777, G replaced by A.
Protein change: p.Trp259Ter; replaces tryptophan 259 with a stop codon.
Molecular consequence: nonsense. On other transcripts: 5 prime UTR variant (1), non-coding transcript variant (3).
Genome position (GRCh38, 1-based): chr16:89,102,714, G>A. VCF-style: chr16-89102714-G-A. GRCh37 (hg19) VCF-style: chr16-89169122-G-A.
Other names: c.777G>A, p.Trp259Ter (NM_001127214.4, NM_174917.5); c.-19G>A (NM_001284316.2); short protein forms W259*.
Identifiers: ClinVar variation 4816978 (VCV004816978.1).